The following is an entry in ClinVar:

NM_001323289.2(CDKL5):c.2227_2228del (p.Ser743fs)

Gene: CDKL5 (cyclin dependent kinase like 5; plus strand). Cytogenetic location: Xp22.13.
Variant type: Microsatellite.
Coding change: c.2227_2228del on transcript NM_001323289.2 (MANE Select); coding-DNA positions 2227 to 2228, 2 bases deleted (AG; older notation c.2227_2228delAG).
Protein change: p.Ser743fs; shifts the reading frame from serine 743.
Molecular consequence: frameshift variant.
Genome position (GRCh38, 1-based): chrX:18,613,226-18,613,227, AG deleted; deleting any 2 consecutive bases within chrX:18,613,222-18,613,227 gives the same sequence; the c. name uses the placement nearest the transcript's 3' end. VCF-style (leftmost placement, unchanged base first): chrX-18613221-CAG-C. GRCh37 (hg19) VCF-style: chrX-18631341-CAG-C.
Other names: c.2227_2228del, p.Ser743fs (NM_001037343.2, NM_003159.3); short protein forms S743fs.
Identifiers: ClinVar variation 1451225 (VCV001451225.6), dbSNP rs2147167604, ClinGen allele CA2580615395.

ClinVar aggregate classification (germline): Pathogenic (1 of 4 stars; one submission).

Conditions:
Angelman syndrome-like. Identifiers: MedGen CN128785.
Developmental and epileptic encephalopathy, 2 (DEE2). Also called: INFANTILE SPASM SYNDROME, X-LINKED 2; CDKL5 deficiency disorder. Identifiers: Orphanet 1934, Orphanet 3451, Orphanet 505652, MedGen C4750718, MONDO:0010396, OMIM 300672.

Submission:

Labcorp Genetics (formerly Invitae), Labcorp
Classification: Pathogenic for Developmental and epileptic encephalopathy, 2; Angelman syndrome-like. Last evaluated: 2021-09-08. Review status: criteria provided, single submitter. Criteria: Invitae Variant Classification Sherloc (09022015). Collection method: clinical testing. Allele origin: germline.
Comment: For these reasons, this variant has been classified as Pathogenic. This variant has not been reported in the literature in individuals affected with CDKL5-related conditions. This variant is not present in population databases (ExAC no frequency). This sequence change creates a premature translational stop signal (p.Ser743Glnfs*20) in the CDKL5 gene. It is expected to result in an absent or disrupted protein product. Loss-of-function variants in CDKL5 are known to be pathogenic (PMID: 22872100).

Literature cited by the submitters: PubMed 22872100.